The following is an entry in ClinVar:

ClinVar aggregate classification (germline): Uncertain significance. Review status: criteria provided, multiple submitters, no conflicts (2 of 4 stars). 2 submissions from 2 submitters: Uncertain significance (2). Last evaluated 2025-11-21.

Allele frequency attached by ClinVar (database versions not stated): gnomAD 0.00001; TOPMed 0.00001.
gnomAD v4.1: 2 of 1,152,660 alleles (0.00017%); highest among the groups gnomAD compares: Non-Finnish European, 0.00021%; no homozygotes.

Submissions (2):

GeneDx
Classification: Uncertain significance. Last evaluated: 2025-11-21. Review status: criteria provided, single submitter. Criteria: GeneDx Variant Classification Process June 2021. Collection method: clinical testing. Allele origin: germline. Affected: yes.
Comment: Not observed at significant frequency in large population cohorts (gnomAD); In silico analysis suggests that this missense variant does not alter protein structure/function; Has not been previously published as pathogenic or benign to our knowledge

Labcorp Genetics (formerly Invitae), Labcorp
Classification: Uncertain significance. Last evaluated: 2024-02-23. Review status: criteria provided, single submitter. Criteria: Invitae Variant Classification Sherloc (09022015). Collection method: clinical testing. Allele origin: germline.
Comment: This sequence change replaces alanine, which is neutral and non-polar, with threonine, which is neutral and polar, at codon 1245 of the GRIN2D protein (p.Ala1245Thr). The frequency data for this variant in the population databases is considered unreliable, as metrics indicate insufficient coverage at this position in the gnomAD database. This variant has not been reported in the literature in individuals affected with GRIN2D-related conditions. ClinVar contains an entry for this variant (Variation ID: 1488678). Advanced modeling of protein sequence and biophysical properties (such as structural, functional, and spatial information, amino acid conservation, physicochemical variation, residue mobility, and thermodynamic stability) performed at Invitae indicates that this missense variant is not expected to disrupt GRIN2D protein function with a negative predictive value of 95%. In summary, the available evidence is currently insufficient to determine the role of this variant in disease. Therefore, it has been classified as a Variant of Uncertain Significance.

NM_000836.4(GRIN2D):c.3733G>A (p.Ala1245Thr)

Gene: GRIN2D (glutamate ionotropic receptor NMDA type subunit 2D; plus strand). Cytogenetic location: 19q13.33.
Variant type: single nucleotide variant.
Coding change: c.3733G>A on transcript NM_000836.4 (MANE Select); coding-DNA position 3733, G replaced by A.
Protein change: p.Ala1245Thr; replaces alanine 1245 with threonine.
Molecular consequence: missense variant.
Genome position (GRCh38, 1-based): chr19:48,443,659, G>A. VCF-style: chr19-48443659-G-A. GRCh37 (hg19) VCF-style: chr19-48946916-G-A.
Other names: short protein forms A1245T.
Identifiers: ClinVar variation 1488678 (VCV001488678.8), dbSNP rs1441810574, ClinGen allele CA406677871.